The following is an entry in ClinVar:

ClinVar aggregate classification (germline): Likely benign. Review status: criteria provided, multiple submitters, no conflicts (2 of 4 stars). 2 submissions from 2 submitters: Likely benign (2). Last evaluated 2025-10-08.

Conditions:
Colorectal cancer, susceptibility to, 12 (CRCS12). Also called: COLORECTAL CANCER, SUSCEPTIBILITY TO, ON CHROMOSOME 12q24. Identifiers: Orphanet 220460, MedGen C3554460, MONDO:0014038, OMIM 615083.

Allele frequency attached by ClinVar (database versions not stated): gnomAD 0.00001.
gnomAD v4.1: 2 of 1,613,536 alleles (0.00012%); highest among the groups gnomAD compares: African/African-American, 0.0013%; no homozygotes.

Submissions (2):

Labcorp Genetics (formerly Invitae), Labcorp
Classification: Likely benign. Last evaluated: 2025-10-08. Review status: criteria provided, single submitter. Criteria: Invitae Variant Classification Sherloc (09022015). Collection method: clinical testing. Allele origin: germline.

Myriad Genetics, Inc.
Classification: Likely benign for Colorectal cancer, susceptibility to, 12. Last evaluated: 2025-02-10. Review status: criteria provided, single submitter. Criteria: Myriad Autosomal Dominant, Autosomal Recessive and X-Linked Classification Criteria (2023). Collection method: clinical testing. Allele origin: unknown.
Comment: This variant is considered likely benign. This variant is intronic and is not expected to impact mRNA splicing.

NM_006231.4(POLE):c.1226+8C>T

Gene: POLE (DNA polymerase epsilon, catalytic subunit; minus strand). Cytogenetic location: 12q24.33.
Variant type: single nucleotide variant.
Coding change: c.1226+8C>T on transcript NM_006231.4 (MANE Select); 8 bases into the intron after coding-DNA position 1226, C replaced by T.
Molecular consequence: intron variant.
Genome position (GRCh38, 1-based): chr12:132,675,390, G>A on the plus strand (C>T on the coding strand, the complement: POLE is on the minus strand). VCF-style: chr12-132675390-G-A. GRCh37 (hg19) VCF-style: chr12-133251976-G-A.
Identifiers: ClinVar variation 750014 (VCV000750014.11), dbSNP rs1593076626, ClinGen allele CA915946758.
Genomic context (GRCh38, chr12:132,675,390, plus strand): 5'-TCTGCAAGAGGCCTTCAGATCTCGCTCACGGACAGCAGTGAGGAGCCATGCTGCTCTGTG[G>A]CCCCTACCTGAGGCAGTCCATGTGGATGCACTGGGGCGCCTTGTACTCCCCCTGGCTGTC-3'